The following is an entry in ClinVar:

ClinVar aggregate classification (germline): Pathogenic (1 of 4 stars; one submission).

Conditions:
Lynch syndrome 5 (LYNCH5). Also called: Colorectal cancer, hereditary nonpolyposis, type 5; Hereditary non-polyposis colorectal cancer, type 5. Identifiers: Orphanet 144, MedGen C1833477, MONDO:0013710, OMIM 614350. Disease mechanism: loss of function.

Submission:

Myriad Genetics, Inc.
Classification: Pathogenic for Lynch syndrome 5. Last evaluated: 2023-08-22. Review status: criteria provided, single submitter. Criteria: Myriad Autosomal Dominant, Autosomal Recessive and X-Linked Classification Criteria (2023). Collection method: clinical testing. Allele origin: unknown.
Comment: This variant is considered pathogenic. This variant creates a frameshift predicted to result in premature protein truncation.

NM_000179.3(MSH6):c.3147_3150dup (p.Val1051fs)

Gene: MSH6 (mutS homolog 6; plus strand). Cytogenetic location: 2p16.3.
Variant type: Duplication.
Coding change: c.3147_3150dup on transcript NM_000179.3 (MANE Select); coding-DNA positions 3147 to 3150, 4 bases duplicated (TGCT; older notation c.3147_3150dupTGCT).
Protein change: p.Val1051fs; shifts the reading frame from valine 1051.
Molecular consequence: frameshift variant. On other transcripts: non-coding transcript variant (5), intron variant (2).
Genome position (GRCh38, 1-based): chr2:47,801,130-47,801,133, TGCT duplicated. VCF-style (leftmost placement, unchanged base first): chr2-47801129-C-CTGCT. GRCh37 (hg19) VCF-style: chr2-48028268-C-CTGCT.
Other names: c.2757_2760dup, p.Val921fs (NM_001281492.2); c.2241_2244dup, p.Val749fs (NM_001281493.2, NM_001281494.2, NM_001406811.1 and 6 more transcripts); c.3243_3246dup, p.Val1083fs (NM_001406795.1, NM_001406802.1); c.3147_3150dup, p.Val1051fs (NM_001406796.1, NM_001406798.1, NM_001406800.1 and 2 more transcripts); c.2850_2853dup, p.Val952fs (NM_001406797.1, NM_001406801.1, NM_001406805.1 and 10 more transcripts); c.2622_2625dup, p.Val876fs (NM_001406799.1, NM_001406806.1, NM_001406807.1); c.3069_3072dup, p.Val1025fs (NM_001406804.1); c.3153_3156dup, p.Val1053fs (NM_001406813.1); and 4 more; short protein forms V1025fs, V1051fs, V1053fs, V1083fs, V366fs, V749fs, V876fs, V921fs.
Identifiers: ClinVar variation 2673722 (VCV002673722.1), dbSNP rs2530717059, ClinGen allele CA2695200631.